The following is an entry in ClinVar:

NM_000444.6(PHEX):c.1706dup (p.Ser570fs)

Genes: PHEX (phosphate regulating endopeptidase homolog X-linked; plus strand), PTCHD1-AS (PTCHD1 antisense RNA (head to head); minus strand). Cytogenetic location: Xp22.11.
Variant type: Duplication.
Coding change: c.1706dup on transcript NM_000444.6 (MANE Select); coding-DNA position 1706, one base duplicated (T; older notation c.1706dupT).
Protein change: p.Ser570fs; shifts the reading frame from serine 570.
Molecular consequence: frameshift variant.
Genome position (GRCh38, 1-based): chrX:22,219,041, T duplicated. VCF-style (leftmost placement, unchanged base first): chrX-22219040-C-CT. GRCh37 (hg19) VCF-style: chrX-22237157-C-CT.
Other names: c.1706dup, p.Ser570fs (NM_001282754.2); short protein forms S570fs.
Identifiers: ClinVar variation 424593 (VCV000424593.2), dbSNP rs1556135252, ClinGen allele CA16621330.

ClinVar aggregate classification (germline): Pathogenic (1 of 4 stars; one submission).

Submission:

GeneDx
Classification: Pathogenic. Last evaluated: 2018-06-21. Review status: criteria provided, single submitter. Criteria: GeneDx Variant Classification (06012015). Collection method: clinical testing. Allele origin: germline. Affected: yes.
Comment: The c.1706dupT pathogenic variant in the PHEX gene causes a frameshift starting with codon Serine 570, changes this amino acid to a Glutamic acid residue and creates a premature Stop codon at position 12 of the new reading frame, denoted p.Ser570GlufsX12. This pathogenic variant is predicted to cause loss of normal protein function either through protein truncation or nonsense-mediated mRNA decay. The variant is not observed in large population cohorts (Lek et al., 2016; 1000 Genomes Consortium et al., 2015; Exome Variant Server). Although this pathogenic variant has not been previously reported to our knowledge, we consider it to be pathogenic.